The following is an entry in ClinVar:

NM_007294.4(BRCA1):c.2418del (p.Ala807fs)

Gene: BRCA1 (BRCA1 DNA repair associated; minus strand). Cytogenetic location: 17q21.31.
Variant type: Deletion.
Coding change: c.2418del on transcript NM_007294.4 (MANE Select); coding-DNA position 2418, one base deleted (A; older notation c.2418delA).
Protein change: p.Ala807fs; shifts the reading frame from alanine 807.
Molecular consequence: frameshift variant. On other transcripts: intron variant (137).
Genome position (GRCh38, 1-based): chr17:43,093,113, T deleted on the plus strand (A on the coding strand, the reverse complement: BRCA1 is on the minus strand). VCF-style (leftmost placement, unchanged base first): chr17-43093112-CT-C. GRCh37 (hg19) VCF-style: chr17-41245129-CT-C.
Other names: 2537delA; c.2205del, p.Ala736fs (NM_001407853.1, NM_001407894.1, NM_001407895.1 and 9 more transcripts); c.2418del, p.Ala807fs (NM_001407854.1, NM_001407858.1, NM_001407859.1 and 30 more transcripts); c.2415del, p.Ala806fs (NM_001407860.1, NM_001407861.1, NM_001407587.1 and 22 more transcripts); c.2217del, p.Ala740fs (NM_001407862.1); c.2295del, p.Ala766fs (NM_001407863.1, NM_001407919.1, NM_001407937.1 and 19 more transcripts); c.2214del, p.Ala739fs (NM_001407874.1, NM_001407875.1); c.2208del, p.Ala737fs (NM_001407879.1, NM_001407881.1, NM_001407882.1 and 13 more transcripts); and 42 more; short protein forms A807fs, A760fs, A759fs, A639fs, A696fs, A739fs, A780fs, A804fs.
Identifiers: ClinVar variation 252379 (VCV000252379.20), dbSNP rs879255281, ClinGen allele CA10585917.

ClinVar aggregate classification (germline): Pathogenic. Review status: reviewed by expert panel (3 of 4 stars). 6 submissions from 6 submitters: Pathogenic (1). 5 of the submissions do not count toward it. Last evaluated 2016-10-18.

Conditions:
Hereditary cancer-predisposing syndrome. Also called: Hereditary Cancer Syndrome; Neoplastic Syndromes, Hereditary; Hereditary neoplastic syndrome; Tumor predisposition. Identifiers: Orphanet 140162, MedGen C0027672, MeSH D009386, MONDO:0015356.
Hereditary breast ovarian cancer syndrome. Also called: Hereditary breast and ovarian cancer syndrome (HBOC); Breast and ovarian cancer; Hereditary breast and ovarian cancer syndrome; Hereditary breast and ovarian cancer; BRCA1- and BRCA2-Associated Hereditary Breast and Ovarian Cancer; Hereditary breast and/or ovarian cancer syndrome. Identifiers: Orphanet 145, MedGen C0677776, MeSH D061325, MONDO:0003582. Disease mechanism: loss of function.
Breast-ovarian cancer, familial, susceptibility to, 1 (BROVCA1). Also called: BRCA1 Hereditary Breast and Ovarian Cancer; OVARIAN CANCER, SUSCEPTIBILITY TO. Identifiers: Orphanet 145, MedGen C2676676, MONDO:0011450, OMIM 604370. Disease mechanism: loss of function.

Submissions (6):

Evidence-based Network for the Interpretation of Germline Mutant Alleles (ENIGMA)
Classification: Pathogenic for Breast-ovarian cancer, familial, susceptibility to, 1. Last evaluated: 2016-10-18. Review status: reviewed by expert panel. Criteria: ENIGMA BRCA1/2 Classification Criteria (2015). Collection method: curation. Allele origin: germline.
Comment: Variant allele predicted to encode a truncated non-functional protein.

Labcorp Genetics (formerly Invitae), Labcorp
Classification: Pathogenic for Hereditary breast ovarian cancer syndrome. Last evaluated: 2025-11-05. Review status: criteria provided, single submitter. Criteria: Invitae Variant Classification Sherloc (09022015). Collection method: clinical testing. Allele origin: germline. Not counted in ClinVar's aggregate classification.
Comment: This sequence change creates a premature translational stop signal (p.Ala807Hisfs*8) in the BRCA1 gene. It is expected to result in an absent or disrupted protein product. Loss-of-function variants in BRCA1 are known to be pathogenic (PMID: 20104584). This variant is not present in population databases (gnomAD no frequency). This premature translational stop signal has been observed in individual(s) with a personal and/or family history of breast and/or ovarian cancer (PMID: 24916970, 27553368). ClinVar contains an entry for this variant (Variation ID: 252379). For these reasons, this variant has been classified as Pathogenic.

Ambry Genetics
Classification: Pathogenic for Hereditary cancer-predisposing syndrome. Last evaluated: 2025-08-06. Review status: criteria provided, single submitter. Criteria: Ambry Variant Classification Scheme 2023. Collection method: clinical testing. Allele origin: germline. Not counted in ClinVar's aggregate classification.
Comment: The c.2418delA pathogenic mutation, located in coding exon 9 of the BRCA1 gene, results from a deletion of one nucleotide at nucleotide position 2418, causing a translational frameshift with a predicted alternate stop codon (p.A807Hfs*8). This variant has been identified in multiple families with breast and/or ovarian cancer (Zhang J et al. Breast Cancer Res Treat, 2012 Apr;132:421-8; Lynce F et al. Breast Cancer Res Treat, 2015 Aug;153:201-9; Peixoto A et al. Clin Genet, 2015 Jul;88:41-8; Pinto P et al. Breast Cancer Res Treat, 2016 Sep;159:245-56; Mighri N et al. Front Genet, 2020 Nov;11:552971). This variant is considered to be rare based on population cohorts in the Genome Aggregation Database (gnomAD). This alteration is expected to result in loss of function by premature protein truncation or nonsense-mediated mRNA decay. As such, this alteration is interpreted as a disease-causing mutation.

GeneDx
Classification: Pathogenic. Last evaluated: 2021-07-21. Review status: criteria provided, single submitter. Criteria: GeneDx Variant Classification Process June 2021. Collection method: clinical testing. Allele origin: germline. Affected: yes. Not counted in ClinVar's aggregate classification.
Comment: Frameshift variant predicted to result in protein truncation or nonsense mediated decay in a gene for which loss-of-function is a known mechanism of disease; Observed in individuals with a personal or family history consistent with pathogenic variants in this gene (Lynce 2015, Peixoto 2015, Pinto 2016); Not observed in large population cohorts (Lek 2016); Truncating variants in this gene are considered pathogenic by a well-established clinical consortium and/or database; Also known as 2537delA; This variant is associated with the following publications: (PMID: 27553368, 24916970, 26250392, 10459348, 12491487)

Quest Diagnostics Nichols Institute San Juan Capistrano
Classification: Pathogenic. Last evaluated: 2019-12-05. Review status: criteria provided, single submitter. Criteria: Quest Diagnostics criteria. Collection method: clinical testing. Allele origin: unknown. Not counted in ClinVar's aggregate classification.
Comment: The variant results in a shift of the reading frame, and is therefore predicted to result in the loss of a functional protein. Found in at least one patient with expected phenotype for this gene, and not found in general population data.

Consortium of Investigators of Modifiers of BRCA1/2 (CIMBA), c/o University of Cambridge
Classification: Pathogenic for Breast-ovarian cancer, familial, susceptibility to, 1. Last evaluated: 2015-10-02. Review status: criteria provided, single submitter. Criteria: CIMBA Mutation Classification guidelines May 2016. Collection method: clinical testing. Allele origin: germline. Not counted in ClinVar's aggregate classification.

Literature cited by the submitters: PubMed 20104584 (cited by Labcorp Genetics (formerly Invitae), Labcorp); PubMed 24916970 (cited by 3 submitters); PubMed 27553368 (cited by Labcorp Genetics (formerly Invitae), Labcorp and Ambry Genetics); PubMed 21614564 (cited by Ambry Genetics); PubMed 26250392 (cited by Ambry Genetics); PubMed 29446198 (cited by Ambry Genetics); PubMed 33240314 (cited by Ambry Genetics); PubMed 10459348 (cited by Quest Diagnostics Nichols Institute San Juan Capistrano); PubMed 12491487 (cited by Quest Diagnostics Nichols Institute San Juan Capistrano); PubMed 26295337 (cited by Quest Diagnostics Nichols Institute San Juan Capistrano).